The following is an entry in ClinVar:

NM_001130144.3(LTBP3):c.1369G>T (p.Ala457Ser)

Gene: LTBP3 (latent transforming growth factor beta binding protein 3; minus strand). Cytogenetic location: 11q13.1.
Variant type: single nucleotide variant.
Coding change: c.1369G>T on transcript NM_001130144.3 (MANE Select); coding-DNA position 1369, G replaced by T.
Protein change: p.Ala457Ser; replaces alanine 457 with serine.
Molecular consequence: missense variant.
Genome position (GRCh38, 1-based): chr11:65,552,134, C>A on the plus strand (G>T on the coding strand, the complement: LTBP3 is on the minus strand). VCF-style: chr11-65552134-C-A. GRCh37 (hg19) VCF-style: chr11-65319605-C-A.
Other names: c.1018G>T, p.Ala340Ser (NM_001164266.1); c.1369G>T, p.Ala457Ser (NM_021070.4); c.1369G>T (NM_001130144.2); short protein forms A340S, A457S.
Identifiers: ClinVar variation 3655766 (VCV003655766.3).

ClinVar aggregate classification (germline): Uncertain significance. Review status: criteria provided, multiple submitters, no conflicts (2 of 4 stars). 2 submissions from 2 submitters: Uncertain significance (2). Last evaluated 2025-09-07.

Conditions:
Brachyolmia-amelogenesis imperfecta syndrome. Also called: PLATYSPONDYLY WITH AMELOGENESIS IMPERFECTA; Tooth agenesis, selective, 6; Dental anomalies and short stature. Identifiers: Orphanet 2899, MedGen C1832594, MONDO:0011018, OMIM 601216. Disease mechanism: loss of function.
Inborn genetic diseases. Identifiers: MedGen C0950123, MeSH D030342.

Submissions (2):

Ambry Genetics
Classification: Uncertain significance for Inborn genetic diseases. Last evaluated: 2025-09-07. Review status: criteria provided, single submitter. Criteria: Ambry Variant Classification Scheme 2023. Collection method: clinical testing. Allele origin: germline.
Comment: The p.A457S variant (also known as c.1369G>T), located in coding exon 8 of the LTBP3 gene, results from a G to T substitution at nucleotide position 1369. The alanine at codon 457 is replaced by serine, an amino acid with similar properties. This amino acid position is conserved. In addition, the in silico prediction for this alteration is inconclusive. Based on the available evidence, the clinical significance of this variant remains unclear.

Labcorp Genetics (formerly Invitae), Labcorp
Classification: Uncertain significance for Brachyolmia-amelogenesis imperfecta syndrome. Last evaluated: 2024-06-06. Review status: criteria provided, single submitter. Criteria: Invitae Variant Classification Sherloc (09022015). Collection method: clinical testing. Allele origin: germline.
Comment: This sequence change replaces alanine, which is neutral and non-polar, with serine, which is neutral and polar, at codon 457 of the LTBP3 protein (p.Ala457Ser). This variant is not present in population databases (gnomAD no frequency). This variant has not been reported in the literature in individuals affected with LTBP3-related conditions. An algorithm developed to predict the effect of missense changes on protein structure and function (PolyPhen-2) suggests that this variant is likely to be tolerated. In summary, the available evidence is currently insufficient to determine the role of this variant in disease. Therefore, it has been classified as a Variant of Uncertain Significance.